The following is an entry in ClinVar:

NM_000350.3(ABCA4):c.629del (p.Leu210fs)

Gene: ABCA4 (ATP binding cassette subfamily A member 4; minus strand). Cytogenetic location: 1p22.1.
Variant type: Deletion.
Coding change: c.629del on transcript NM_000350.3 (MANE Select); coding-DNA position 629, one base deleted (T; older notation c.629delT).
Protein change: p.Leu210fs; shifts the reading frame from leucine 210.
Molecular consequence: frameshift variant.
Genome position (GRCh38, 1-based): chr1:94,098,933, A deleted on the plus strand (T on the coding strand, the reverse complement: ABCA4 is on the minus strand). VCF-style (leftmost placement, unchanged base first): chr1-94098932-CA-C. GRCh37 (hg19) VCF-style: chr1-94564488-CA-C.
Other names: NM_000350.3(ABCA4):c.629del; p.Leu210fs; c.629delT (NM_000350.2); c.629delT, p.Leu210Argfs (NM_001425324.1); short protein forms L210fs.
Identifiers: ClinVar variation 1074381 (VCV001074381.9), dbSNP rs2101135952, ClinGen allele CA2499214898.

ClinVar aggregate classification (germline): Pathogenic/Likely pathogenic. Review status: criteria provided, multiple submitters, no conflicts (2 of 4 stars). 4 submissions from 4 submitters: Pathogenic (2); Likely pathogenic (2). Last evaluated 2025-10-08.

Conditions:
ABCA4-related retinopathy. Also called: ABCA4-related retinoapthy; ABCA4 retinoapthy. Identifiers: MedGen CN322612, MONDO:0800406.
ABCA4-related disorder. Also called: ABCA4-related disorders; ABCA4-related condition. Identifiers: MedGen CN239167.

Allele frequency attached by ClinVar (database versions not stated): gnomAD exomes below 0.00001.

Submissions (4):

PreventionGenetics, part of Exact Sciences
Classification: Pathogenic for ABCA4-related condition. Last evaluated: 2025-10-08. Review status: criteria provided, single submitter. Criteria: ACMG Guidelines, 2015. Collection method: clinical testing. Allele origin: germline.
Comment: The ABCA4 c.629delT variant is predicted to result in a frameshift and premature protein termination (p.Leu210Argfs*31). This variant has been reported, with another pathogenic variant in the gene, in an individual with inherited retinal disease (Table S1, Lin et al. 2024. PubMed ID: 38219857). This variant has not been reported in a large population database (gnomAD), indicating this variant is rare. Frameshift variants in ABCA4 are expected to be pathogenic. This variant is interpreted as pathogenic.

Labcorp Genetics (formerly Invitae), Labcorp
Classification: Pathogenic. Last evaluated: 2024-02-02. Review status: criteria provided, single submitter. Criteria: Invitae Variant Classification Sherloc (09022015). Collection method: clinical testing. Allele origin: germline.
Comment: This sequence change creates a premature translational stop signal (p.Leu210Argfs*31) in the ABCA4 gene. It is expected to result in an absent or disrupted protein product. Loss-of-function variants in ABCA4 are known to be pathogenic (PMID: 10958761, 24938718, 25312043, 26780318). This variant is not present in population databases (gnomAD no frequency). This variant has not been reported in the literature in individuals affected with ABCA4-related conditions. ClinVar contains an entry for this variant (Variation ID: 1074381). For these reasons, this variant has been classified as Pathogenic.

Broad Center for Mendelian Genomics, Broad Institute of MIT and Harvard
Classification: Likely pathogenic for ABCA4-related retinopathy. Last evaluated: 2023-01-25. Review status: criteria provided, single submitter. Criteria: ACMG Guidelines, 2015. Collection method: curation. Allele origin: germline. Inheritance: Autosomal recessive inheritance.
Comment: The p.Leu210ArgfsTer31 variant in ABCA4 has not been previously reported in individuals with autosomal recessive ABCA4-related retinopathy. This variant was absent from large population studies. This variant has also been reported in ClinVar (Variation ID: 1074381) and has been interpreted as pathogenic by Invitae. This variant is predicted to cause a frameshift, which alters the protein‚Äôs amino acid sequence beginning at position 210 and leads to a premature termination codon 31 amino acids downstream. This alteration is then predicted to lead to a truncated or absent protein. Loss of function of the ABCA4 gene is an established disease mechanism in autosomal recessive ABCA4-related retinopathy. In summary, although additional studies are required to fully establish its clinical significance, this variant is likely pathogenic for autosomal recessive ABCA4-related retinopathy. ACMG/AMP Criteria applied: PVS1, PM2_Supporting (Richards 2015).

Blueprint Genetics
Classification: Likely pathogenic for ABCA4-related disorders. Last evaluated: 2021-07-16. Review status: criteria provided, single submitter. Criteria: ACMG Guidelines, 2015. Collection method: clinical testing. Allele origin: germline. Affected: yes. Observed: 2 variant alleles.

Literature cited by the submitters: PubMed 10958761 (cited by Labcorp Genetics (formerly Invitae), Labcorp); PubMed 24938718 (cited by Labcorp Genetics (formerly Invitae), Labcorp); PubMed 25312043 (cited by Labcorp Genetics (formerly Invitae), Labcorp); PubMed 26780318 (cited by Labcorp Genetics (formerly Invitae), Labcorp).